The following is an entry in ClinVar:

ClinVar aggregate classification (germline): Pathogenic (1 of 4 stars; one submission).

Submission:

Ambry Genetics
Classification: Pathogenic. Last evaluated: 2026-06-03. Review status: criteria provided, single submitter. Criteria: Ambry Variant Classification Scheme 2023. Collection method: clinical testing. Allele origin: germline.
Comment: The c.2407delG pathogenic mutation, located in coding exon 1 of the MLH3 gene, results from a deletion of one nucleotide at nucleotide position 2407, causing a translational frameshift with a predicted alternate stop codon (p.V803Ffs*37). This variant is considered to be rare based on population cohorts in the Genome Aggregation Database (gnomAD). This alteration is expected to result in loss of function by premature protein truncation or nonsense-mediated mRNA decay. As such, this alteration is interpreted as a disease-causing mutation.

NM_001040108.2(MLH3):c.2407del (p.Val803fs)

Gene: MLH3 (mutL homolog 3; minus strand). Cytogenetic location: 14q24.3.
Variant type: Deletion.
Coding change: c.2407del on transcript NM_001040108.2 (MANE Select); coding-DNA position 2407, one base deleted (G; older notation c.2407delG).
Protein change: p.Val803fs; shifts the reading frame from valine 803.
Molecular consequence: frameshift variant.
Genome position (GRCh38, 1-based): chr14:75,047,249, C deleted on the plus strand (G on the coding strand, the reverse complement: MLH3 is on the minus strand). VCF-style (leftmost placement, unchanged base first): chr14-75047248-AC-A. GRCh37 (hg19) VCF-style: chr14-75513951-AC-A.
Other names: c.2407del, p.Val803fs (NM_014381.3); short protein forms V803fs.
Identifiers: ClinVar variation 1790813 (VCV001790813.3), dbSNP rs2503270941, ClinGen allele CA2580088774.